The following is an entry in ClinVar:

ClinVar aggregate classification (germline): Uncertain significance (1 of 4 stars; one submission).

Submission:

Labcorp Genetics (formerly Invitae), Labcorp
Classification: Uncertain significance. Last evaluated: 2020-10-27. Review status: criteria provided, single submitter. Criteria: Invitae Variant Classification Sherloc (09022015). Collection method: clinical testing. Allele origin: germline.
Comment: In summary, the available evidence is currently insufficient to determine the role of this variant in disease. Therefore, it has been classified as a Variant of Uncertain Significance. Algorithms developed to predict the effect of missense changes on protein structure and function are either unavailable or do not agree on the potential impact of this missense change (SIFT: "Deleterious"; PolyPhen-2: "Benign"; Align-GVGD: "Class C0"). This variant has not been reported in the literature in individuals with GNPTG-related conditions. This variant is not present in population databases (ExAC no frequency). This sequence change replaces histidine with glutamine at codon 205 of the GNPTG protein (p.His205Gln). The histidine residue is weakly conserved and there is a small physicochemical difference between histidine and glutamine.

NM_032520.5(GNPTG):c.615T>A (p.His205Gln)

Gene: GNPTG (N-acetylglucosamine-1-phosphate transferase subunit gamma; plus strand). Cytogenetic location: 16p13.3.
Variant type: single nucleotide variant.
Coding change: c.615T>A on transcript NM_032520.5 (MANE Select); coding-DNA position 615, T replaced by A.
Protein change: p.His205Gln; replaces histidine 205 with glutamine.
Molecular consequence: missense variant.
Genome position (GRCh38, 1-based): chr16:1,362,616, T>A. VCF-style: chr16-1362616-T-A. GRCh37 (hg19) VCF-style: chr16-1412617-T-A.
Other names: short protein forms H205Q.
Identifiers: ClinVar variation 998513 (VCV000998513.8), dbSNP rs2034924651, ClinGen allele CA394188387.